The following is an entry in ClinVar:

ClinVar aggregate classification (germline): Likely benign (1 of 4 stars; one submission).

gnomAD v4.1: 1,021 of 1,614,206 alleles (0.063%); highest among the groups gnomAD compares: African/African-American, 1.3%; 3 homozygotes.

Submission:

CeGaT Center for Human Genetics Tuebingen
Classification: Likely benign. Last evaluated: 2025-11-01. Review status: criteria provided, single submitter. Criteria: CeGaT Center For Human Genetics Tuebingen Variant Classification Criteria Version 2. Collection method: clinical testing. Allele origin: germline. Affected: yes. Observed: 1 variant allele.
Comment: ELOA2: BP4, BS1

NM_016427.3(ELOA2):c.1116G>T (p.Met372Ile)

Genes: ELOA2 (elongin A2; minus strand), KATNAL2 (katanin catalytic subunit A1 like 2; plus strand). Cytogenetic location: 18q21.1.
Variant type: single nucleotide variant.
Coding change: c.1116G>T on transcript NM_016427.3 (MANE Select); coding-DNA position 1116, G replaced by T.
Protein change: p.Met372Ile; replaces methionine 372 with isoleucine.
Molecular consequence: missense variant. On other transcripts: intron variant (14).
Genome position (GRCh38, 1-based): chr18:47,034,149, C>A on the plus strand (G>T on the coding strand, the complement: ELOA2 is on the minus strand). VCF-style: chr18-47034149-C-A. GRCh37 (hg19) VCF-style: chr18-44560520-C-A.
Other names: c.-1-24086C>A (NM_001353904.1, NM_001353903.1, NM_001353907.1 and 3 more transcripts); c.130-12308C>A (NM_001353899.1, NM_001353900.1, NM_001353902.1); c.52-12308C>A (NM_001353901.1, NM_001387690.1, NM_001367621.1); c.-294-12308C>A (NM_001353905.1); c.-94-18731C>A (NM_031303.3); short protein forms M372I.
Identifiers: ClinVar variation 4533712 (VCV004533712.6).